The following is an entry in ClinVar:

ClinVar aggregate classification (germline): Pathogenic (0 of 4 stars; one submission).

Conditions:
Autosomal recessive nonsyndromic hearing loss 9. Also called: NEUROSENSORY NONSYNDROMIC RECESSIVE DEAFNESS 9; OTOF-Related Hearing Loss; Deafness, autosomal recessive 9; AUDITORY NEUROPATHY, AUTOSOMAL RECESSIVE, 1, TEMPERATURE-SENSITIVE. Identifiers: Orphanet 90636, MedGen C1832828, MONDO:0010986, OMIM 601071.

Submission:

Diagnosis and Treatment Center of Genetic Hearing Loss, Eye & ENT Hospital of Fudan University
Classification: Pathogenic for Autosomal recessive nonsyndromic hearing loss 9. Last evaluated: 2026-02-04. Review status: no assertion criteria provided. Collection method: clinical testing. Allele origin: germline. Inheritance: Autosomal recessive inheritance. Affected: yes.
Comment: The c.2405_2565del deletion in OTOF causes a frameshift and premature stop codon (p.Val802fs) with predicted NMD (PVS1). It is absent from population databases (PM2_Supporting). The phenotype is consistent with auditory neuropathy (PP4).

NM_001287489.2:c.2405_2565del

Gene: OTOF (otoferlin; minus strand).
Variant type: Deletion.
Other names: c.2405_2565del (NM_001287489.2).
Identifiers: ClinVar variation 4879939 (VCV004879939.1).